The following is an entry in ClinVar:

ClinVar aggregate classification (germline): Likely pathogenic (1 of 4 stars; one submission).

Allele frequency attached by ClinVar (database versions not stated): gnomAD exomes below 0.00001.
gnomAD v4.1: 1 of 1,613,280 alleles (0.000062%); highest among the groups gnomAD compares: Non-Finnish European, 0.000085%; no homozygotes.

Submission:

Labcorp Genetics (formerly Invitae), Labcorp
Classification: Likely pathogenic. Last evaluated: 2021-01-26. Review status: criteria provided, single submitter. Criteria: Invitae Variant Classification Sherloc (09022015). Collection method: clinical testing. Allele origin: germline.
Comment: This variant is not present in population databases (ExAC no frequency). This variant has not been reported in the literature in individuals with COL4A4-related conditions. Algorithms developed to predict the effect of sequence changes on RNA splicing suggest that this variant may disrupt the consensus splice site, but this prediction has not been confirmed by published transcriptional studies. In summary, the currently available evidence indicates that the variant is pathogenic, but additional data are needed to prove that conclusively. Therefore, this variant has been classified as Likely Pathogenic. This sequence change affects an acceptor splice site in intron 44 of the COL4A4 gene. It is expected to disrupt RNA splicing. Variants that disrupt the donor or acceptor splice site typically lead to a loss of protein function (PMID: 16199547), and loss-of-function variants in COL4A4 are known to be pathogenic (PMID: 21196518, 24854265, 25307543).

Literature cited by the submitters: PubMed 16199547; PubMed 21196518; PubMed 24854265; PubMed 25307543.

NM_000092.5(COL4A4):c.4217-1G>A

Gene: COL4A4 (collagen type IV alpha 4 chain; minus strand). Cytogenetic location: 2q36.3.
Variant type: single nucleotide variant.
Coding change: c.4217-1G>A on transcript NM_000092.5 (MANE Select); the canonical splice acceptor site of the intron before coding-DNA position 4217, G replaced by A.
Molecular consequence: splice acceptor variant.
Genome position (GRCh38, 1-based): chr2:227,012,298, C>T on the plus strand (G>A on the coding strand, the complement: COL4A4 is on the minus strand). VCF-style: chr2-227012298-C-T. GRCh37 (hg19) VCF-style: chr2-227877014-C-T.
Identifiers: ClinVar variation 1477681 (VCV001477681.8), dbSNP rs1161487989, ClinGen allele CA350836615.
Genomic context (GRCh38, chr2:227,012,298, plus strand): 5'-GAGACCCAGGGACGCCATCCACACCCCTCCTGCCATCCAGCCCAGGCTCTCCTTTGCACC[C>T]TGCACAAAAGTTTATGATGCTGGTGGTGAAAGCAACCATGACACCTGCTAGCATTTACCG-3'